The following is an entry in ClinVar:

NM_012470.4(TNPO3):c.873-3C>T

Gene: TNPO3 (transportin 3; minus strand). Cytogenetic location: 7q32.1.
Variant type: single nucleotide variant.
Coding change: c.873-3C>T on transcript NM_012470.4 (MANE Select); 3 bases into the intron before coding-DNA position 873, C replaced by T.
Molecular consequence: intron variant.
Genome position (GRCh38, 1-based): chr7:129,000,570, G>A on the plus strand (C>T on the coding strand, the complement: TNPO3 is on the minus strand). VCF-style: chr7-129000570-G-A. GRCh37 (hg19) VCF-style: chr7-128640624-G-A.
Other names: c.729-3C>T (NM_001382221.1); c.873-3C>T (NM_001382222.1, NM_001382219.1, NM_001382223.1 and 4 more transcripts); c.954-3C>T (NM_001382217.1).
Identifiers: ClinVar variation 389221 (VCV000389221.10), dbSNP rs780935123, ClinGen allele CA4478295.

ClinVar aggregate classification (germline): Conflicting classifications of pathogenicity. Review status: criteria provided, conflicting classifications (1 of 4 stars). 4 submissions from 4 submitters: Uncertain significance (1); Likely benign (2). 1 of the submissions does not count toward it. Last evaluated 2024-09-04.

Conditions:
TNPO3-related disorder. Also called: TNPO3-related condition.
Autosomal dominant limb-girdle muscular dystrophy type 1F (LGMDD2). Also called: Limb-girdle muscular dystrophy, type 1F; MUSCULAR DYSTROPHY, LIMB-GIRDLE, AUTOSOMAL DOMINANT 2. Identifiers: Orphanet 55595, MedGen C1842062, MONDO:0012034, OMIM 608423.

Allele frequency attached by ClinVar (database versions not stated): TOPMed below 0.00001; gnomAD 0.00001; gnomAD exomes 0.00001 and 0.00002; ExAC 0.00002.
gnomAD v4.1: 30 of 1,612,494 alleles (0.0019%); highest among the groups gnomAD compares: Middle Eastern, 0.26%; 1 homozygote.

Submissions (4):

Blueprint Genetics
Classification: Likely benign. Last evaluated: 2024-09-04. Review status: criteria provided, single submitter. Criteria: ACMG Guidelines, 2015. Collection method: clinical testing. Allele origin: germline.

Labcorp Genetics (formerly Invitae), Labcorp
Classification: Uncertain significance for Autosomal dominant limb-girdle muscular dystrophy type 1F. Last evaluated: 2024-03-26. Review status: criteria provided, single submitter. Criteria: Invitae Variant Classification Sherloc (09022015). Collection method: clinical testing. Allele origin: germline.
Comment: This sequence change falls in intron 6 of the TNPO3 gene. It does not directly change the encoded amino acid sequence of the TNPO3 protein. It affects a nucleotide within the consensus splice site. This variant is present in population databases (rs780935123, gnomAD 0.002%). This variant has not been reported in the literature in individuals affected with TNPO3-related conditions. ClinVar contains an entry for this variant (Variation ID: 389221). Variants that disrupt the consensus splice site are a relatively common cause of aberrant splicing (PMID: 17576681, 9536098). Algorithms developed to predict the effect of sequence changes on RNA splicing suggest that this variant is not likely to affect RNA splicing. In summary, the available evidence is currently insufficient to determine the role of this variant in disease. Therefore, it has been classified as a Variant of Uncertain Significance.

GeneDx
Classification: Likely benign. Last evaluated: 2016-09-08. Review status: criteria provided, single submitter. Criteria: GeneDx Variant Classification (06012015). Collection method: clinical testing. Allele origin: germline. Affected: yes.
Comment: This variant is considered likely benign or benign based on one or more of the following criteria: it is a conservative change, it occurs at a poorly conserved position in the protein, it is predicted to be benign by multiple in silico algorithms, and/or has population frequency not consistent with disease.

PreventionGenetics, part of Exact Sciences
Classification: Likely benign for TNPO3-related condition. Last evaluated: 2019-02-20. Review status: no assertion criteria provided. Collection method: clinical testing. Allele origin: germline. Not counted in ClinVar's aggregate classification.
Comment: This variant is classified as likely benign based on ACMG/AMP sequence variant interpretation guidelines (Richards et al. 2015 PMID: 25741868, with internal and published modifications).

Literature cited by the submitters: PubMed 17576681 (cited by Labcorp Genetics (formerly Invitae), Labcorp); PubMed 9536098 (cited by Labcorp Genetics (formerly Invitae), Labcorp).